The following is an entry in ClinVar:

NM_006015.6(ARID1A):c.36C>T (p.Ser12=)

Gene: ARID1A (AT-rich interaction domain 1A; plus strand). Cytogenetic location: 1p36.11.
Variant type: single nucleotide variant.
Coding change: c.36C>T on transcript NM_006015.6 (MANE Select); coding-DNA position 36, C replaced by T.
Protein change: p.Ser12=; no amino-acid change (serine 12 retained).
Molecular consequence: synonymous variant.
Genome position (GRCh38, 1-based): chr1:26,696,439, C>T. VCF-style: chr1-26696439-C-T. GRCh37 (hg19) VCF-style: chr1-27022930-C-T.
Other names: c.36C>T, p.Ser12= (NM_139135.4).
Identifiers: ClinVar variation 2711851 (VCV002711851.6), dbSNP rs112262001, ClinGen allele CA19640285.

ClinVar aggregate classification (germline): Benign/Likely benign. Review status: criteria provided, multiple submitters, no conflicts (2 of 4 stars). 3 submissions from 3 submitters: Benign (1); Likely benign (1). 1 of the submissions does not count toward it. Last evaluated 2025-10-10.

Conditions:
ARID1A-related disorder. Also called: ARID1A-related condition.

Allele frequency attached by ClinVar (database versions not stated): gnomAD exomes 0.00001; gnomAD 0.00002; TOPMed 0.00009.
gnomAD v4.1: 17 of 1,290,002 alleles (0.0013%); highest among the groups gnomAD compares: Admixed American, 0.026%; no homozygotes.

Submissions (3):

Labcorp Genetics (formerly Invitae), Labcorp
Classification: Benign. Last evaluated: 2025-10-10. Review status: criteria provided, single submitter. Criteria: Invitae Variant Classification Sherloc (09022015). Collection method: clinical testing. Allele origin: germline.

Blueprint Genetics
Classification: Likely benign. Last evaluated: 2019-11-08. Review status: criteria provided, single submitter. Criteria: ACMG Guidelines, 2015. Collection method: clinical testing. Allele origin: germline.

PreventionGenetics, part of Exact Sciences
Classification: Likely benign for ARID1A-related condition. Last evaluated: 2021-03-25. Review status: no assertion criteria provided. Collection method: clinical testing. Allele origin: germline. Not counted in ClinVar's aggregate classification.
Comment: This variant is classified as likely benign based on ACMG/AMP sequence variant interpretation guidelines (Richards et al. 2015 PMID: 25741868, with internal and published modifications).